The following is an entry in ClinVar:

NM_001958.5(EEF1A2):c.1379A>G (p.Lys460Arg)

Gene: EEF1A2 (eukaryotic translation elongation factor 1 alpha 2; minus strand). Cytogenetic location: 20q13.33.
Variant type: single nucleotide variant.
Coding change: c.1379A>G on transcript NM_001958.5 (MANE Select); coding-DNA position 1379, A replaced by G.
Protein change: p.Lys460Arg; replaces lysine 460 with arginine.
Molecular consequence: missense variant.
Genome position (GRCh38, 1-based): chr20:63,488,311, T>C on the plus strand (A>G on the coding strand, the complement: EEF1A2 is on the minus strand). VCF-style: chr20-63488311-T-C. GRCh37 (hg19) VCF-style: chr20-62119664-T-C.
Other names: short protein forms K460R.
Identifiers: ClinVar variation 1709392 (VCV001709392.2), dbSNP rs2516772128, ClinGen allele CA409642878.
Genomic context (GRCh38, chr20:63,488,311, plus strand): 5'-CGGAGCGCGGCACCGCCGGGGAGGGTCGCGCCGCGGGCGCCCGCGCTTCACTTGCCCGCC[T>C]TCTGCGCCTTCTGCGCCGACTTGGTGACCTTGCCGGCGCCGCCGCTCTTCTTCTCCACGT-3'
Protein context (NP_001949.1, residues 450-463): KVTKSAQKAQ[Lys460Arg]AGK

ClinVar aggregate classification (germline): Uncertain significance (1 of 4 stars; one submission).

Conditions:
Intellectual developmental disorder, autosomal dominant 38. Also called: PSYCHOMOTOR RETARDATION, EPILEPSY, AND LANGUAGE DISABILITY SYNDROME; Intellectual disability, autosomal dominant 38. Identifiers: MedGen C4225343, MONDO:0014617, OMIM 616393.

Submission:

MGZ Medical Genetics Center
Classification: Uncertain significance for Intellectual developmental disorder, autosomal dominant 38. Last evaluated: 2021-11-11. Review status: criteria provided, single submitter. Criteria: ACMG Guidelines, 2015. Collection method: clinical testing. Allele origin: germline. Affected: yes. Observed: 2 variant alleles.
Comment: ACMG criteria applied: PM2_SUP, PP2, BP4